The following is an entry in ClinVar:

NM_001205293.3(CACNA1E):c.50G>A (p.Gly17Glu)

Gene: CACNA1E (calcium voltage-gated channel subunit alpha1 E; plus strand). Cytogenetic location: 1q25.3.
Variant type: single nucleotide variant.
Coding change: c.50G>A on transcript NM_001205293.3 (MANE Select); coding-DNA position 50, G replaced by A.
Protein change: p.Gly17Glu; replaces glycine 17 with glutamic acid.
Molecular consequence: missense variant.
Genome position (GRCh38, 1-based): chr1:181,483,794, G>A. VCF-style: chr1-181483794-G-A. GRCh37 (hg19) VCF-style: chr1-181452930-G-A.
Other names: c.50G>A (NM_001205293.1); c.50G>A, p.Gly17Glu (NM_000721.4, NM_001205294.2); short protein forms G17E.
Identifiers: ClinVar variation 1708857 (VCV001708857.9), dbSNP rs780589733, ClinGen allele CA1274816.

ClinVar aggregate classification (germline): Conflicting classifications of pathogenicity. Review status: criteria provided, conflicting classifications (1 of 4 stars). 3 submissions from 3 submitters: Uncertain significance (1); Benign (1); Likely benign (1). Last evaluated 2024-09-11.

Conditions:
Inborn genetic diseases. Identifiers: MedGen C0950123, MeSH D030342.

Allele frequency attached by ClinVar (database versions not stated): ExAC 0.00001; gnomAD 0.00001; gnomAD exomes 0.00001.
gnomAD v4.1: 5 of 1,612,330 alleles (0.00031%); highest among the groups gnomAD compares: Admixed American, 0.0083%; no homozygotes.

Submissions (3):

Labcorp Genetics (formerly Invitae), Labcorp
Classification: Benign. Last evaluated: 2024-09-11. Review status: criteria provided, single submitter. Criteria: Invitae Variant Classification Sherloc (09022015). Collection method: clinical testing. Allele origin: germline.

Ambry Genetics
Classification: Likely benign for Inborn genetic diseases. Last evaluated: 2023-08-08. Review status: criteria provided, single submitter. Criteria: Ambry Variant Classification Scheme 2023. Collection method: clinical testing. Allele origin: germline.

GeneDx
Classification: Uncertain significance. Last evaluated: 2022-04-04. Review status: criteria provided, single submitter. Criteria: GeneDx Variant Classification Process June 2021. Collection method: clinical testing. Allele origin: germline. Affected: yes.
Comment: In silico analysis supports that this missense variant has a deleterious effect on protein structure/function; Has not been previously published as pathogenic or benign to our knowledge